The following is an entry in ClinVar:

NM_000361.3(THBD):c.247C>G (p.Arg83Gly)

Gene: THBD (thrombomodulin; minus strand). Cytogenetic location: 20p11.21.
Variant type: single nucleotide variant.
Coding change: c.247C>G on transcript NM_000361.3 (MANE Select); coding-DNA position 247, C replaced by G.
Protein change: p.Arg83Gly; replaces arginine 83 with glycine.
Molecular consequence: missense variant.
Genome position (GRCh38, 1-based): chr20:23,049,258, G>C on the plus strand (C>G on the coding strand, the complement: THBD is on the minus strand). VCF-style: chr20-23049258-G-C. GRCh37 (hg19) VCF-style: chr20-23029895-G-C.
Other names: c.247C>G (NM_000361.2); short protein forms R83G.
Identifiers: ClinVar variation 1515513 (VCV001515513.10), dbSNP rs748313651, ClinGen allele CA9787764.

ClinVar aggregate classification (germline): Uncertain significance. Review status: criteria provided, multiple submitters, no conflicts (2 of 4 stars). 3 submissions from 3 submitters: Uncertain significance (3). Last evaluated 2024-05-08.

Conditions:
Inborn genetic diseases. Identifiers: MedGen C0950123, MeSH D030342.
Atypical hemolytic-uremic syndrome with thrombomodulin anomaly. Also called: HEMOLYTIC UREMIC SYNDROME, ATYPICAL, SUSCEPTIBILITY TO, 6; AHUS, SUSCEPTIBILITY TO, 6. Identifiers: MedGen C2752036, MONDO:0013044, OMIM 612926. Disease mechanism: gain of function.
Thrombomodulin-related bleeding disorder (THPH12). Also called: Thrombophilia due to thrombomodulin defect. Identifiers: Orphanet 436169, MedGen C3280976, MONDO:0013775, OMIM 614486.

Allele frequency attached by ClinVar (database versions not stated): gnomAD 0.00001; gnomAD exomes 0.00001.

Submissions (3):

Ambry Genetics
Classification: Uncertain significance for Inborn genetic diseases. Last evaluated: 2024-05-08. Review status: criteria provided, single submitter. Criteria: Ambry Variant Classification Scheme 2023. Collection method: clinical testing. Allele origin: germline.

Labcorp Genetics (formerly Invitae), Labcorp
Classification: Uncertain significance. Last evaluated: 2023-01-15. Review status: criteria provided, single submitter. Criteria: Invitae Variant Classification Sherloc (09022015). Collection method: clinical testing. Allele origin: germline.
Comment: In summary, the available evidence is currently insufficient to determine the role of this variant in disease. Therefore, it has been classified as a Variant of Uncertain Significance. Algorithms developed to predict the effect of missense changes on protein structure and function (SIFT, PolyPhen-2, Align-GVGD) all suggest that this variant is likely to be tolerated. ClinVar contains an entry for this variant (Variation ID: 1515513). This variant has not been reported in the literature in individuals affected with THBD-related conditions. This variant is present in population databases (rs748313651, gnomAD 0.005%). This sequence change replaces arginine, which is basic and polar, with glycine, which is neutral and non-polar, at codon 83 of the THBD protein (p.Arg83Gly).

Fulgent Genetics
Classification: Uncertain significance for Atypical hemolytic-uremic syndrome with thrombomodulin anomaly; Thrombomodulin-related bleeding disorder. Last evaluated: 2021-11-09. Review status: criteria provided, single submitter. Criteria: ACMG Guidelines, 2015. Collection method: clinical testing. Allele origin: unknown.